The following is an entry in ClinVar:

NM_017780.4(CHD7):c.2299A>G (p.Ile767Val)

Gene: CHD7 (chromodomain helicase DNA binding protein 7; plus strand). Cytogenetic location: 8q12.2.
Variant type: single nucleotide variant.
Coding change: c.2299A>G on transcript NM_017780.4 (MANE Select); coding-DNA position 2299, A replaced by G.
Protein change: p.Ile767Val; replaces isoleucine 767 with valine.
Molecular consequence: missense variant. On other transcripts: intron variant (1).
Genome position (GRCh38, 1-based): chr8:60,800,448, A>G. VCF-style: chr8-60800448-A-G. GRCh37 (hg19) VCF-style: chr8-61713007-A-G.
Other names: c.1716+19398A>G (NM_001316690.1); short protein forms I767V.
Identifiers: ClinVar variation 3354904 (VCV003354904.1).
Genomic context (GRCh38, chr8:60,800,448, plus strand): 5'-AAGAGACGGTCCAGCAGACAGGTGAAGAGAAAGCGCTACACTGAAGACCTGGAGTTCAAG[A>G]TTTCTGATGAGGAGGCAGATGATGCAGATGCTGCTGGGAGGGATTCCCCCTCCAACACCT-3'
Protein context (NP_060250.2, residues 757-777): KRYTEDLEFK[Ile767Val]SDEEADDADA

ClinVar aggregate classification (germline): Uncertain significance (0 of 4 stars; one submission).

Conditions:
CHD7-related disorder. Also called: CHD7-related condition.

gnomAD v4.1: 1 of 1,613,886 alleles (0.000062%); highest among the groups gnomAD compares: Middle Eastern, 0.016%; no homozygotes.

Submission:

PreventionGenetics, part of Exact Sciences
Classification: Uncertain significance for CHD7-related condition. Last evaluated: 2024-09-07. Review status: no assertion criteria provided. Collection method: clinical testing. Allele origin: germline.
Comment: The CHD7 c.2299A>G variant is predicted to result in the amino acid substitution p.Ile767Val. To our knowledge, this variant has not been reported in the literature or in a large population database, indicating this variant is rare. At this time, the clinical significance of this variant is uncertain due to the absence of conclusive functional and genetic evidence.